The following is an entry in ClinVar:

ClinVar aggregate classification (germline): Uncertain significance (1 of 4 stars; one submission).

Conditions:
Cardiovascular phenotype. Identifiers: MedGen CN230736.

Submission:

Ambry Genetics
Classification: Uncertain significance for Cardiovascular phenotype. Last evaluated: 2023-05-21. Review status: criteria provided, single submitter. Criteria: Ambry Variant Classification Scheme 2023. Collection method: clinical testing. Allele origin: germline.
Comment: The p.A758S variant (also known as c.2272G>T), located in coding exon 15 of the GAA gene, results from a G to T substitution at nucleotide position 2272. The alanine at codon 758 is replaced by serine, an amino acid with similar properties. This amino acid position is conserved. In addition, this alteration is predicted to be tolerated by in silico analysis. Since supporting evidence is limited at this time, the clinical significance of this alteration remains unclear.

NM_000152.5(GAA):c.2272G>T (p.Ala758Ser)

Gene: GAA (alpha glucosidase; plus strand). Cytogenetic location: 17q25.3.
Variant type: single nucleotide variant.
Coding change: c.2272G>T on transcript NM_000152.5 (MANE Select); coding-DNA position 2272, G replaced by T.
Protein change: p.Ala758Ser; replaces alanine 758 with serine.
Molecular consequence: missense variant.
Genome position (GRCh38, 1-based): chr17:80,117,050, G>T. VCF-style: chr17-80117050-G-T. GRCh37 (hg19) VCF-style: chr17-78090849-G-T.
Other names: c.2272G>T, p.Ala758Ser (NM_001079803.3, NM_001079804.3, NM_001406741.1 and 1 more transcripts); short protein forms A758S.
Identifiers: ClinVar variation 2563118 (VCV002563118.2), dbSNP rs2510396624, ClinGen allele CA401324834.
Genomic context (GRCh38, chr17:80,117,050, plus strand): 5'-TGGACTGTGGACCACCAGCTCCTGTGGGGGGAGGCCCTGCTCATCACCCCAGTGCTCCAG[G>T]CCGGGAAGGCCGAAGTGACTGGCTACTTCCCCTTGGGCACATGGTACGACCTGCAGACGG-3'
Protein context (NP_000143.2, residues 748-768): EALLITPVLQ[Ala758Ser]GKAEVTGYFP